The following is an entry in ClinVar:

ClinVar aggregate classification (germline): Uncertain significance (1 of 4 stars; one submission).

Submission:

Labcorp Genetics (formerly Invitae), Labcorp
Classification: Uncertain significance. Last evaluated: 2023-08-29. Review status: criteria provided, single submitter. Criteria: Invitae Variant Classification Sherloc (09022015). Collection method: clinical testing. Allele origin: germline.
Comment: In summary, the available evidence is currently insufficient to determine the role of this variant in disease. Therefore, it has been classified as a Variant of Uncertain Significance. Advanced modeling of protein sequence and biophysical properties (such as structural, functional, and spatial information, amino acid conservation, physicochemical variation, residue mobility, and thermodynamic stability) performed at Invitae indicates that this missense variant is not expected to disrupt CTNNA1 protein function. This variant has not been reported in the literature in individuals affected with CTNNA1-related conditions. This variant is not present in population databases (gnomAD no frequency). This sequence change replaces lysine, which is basic and polar, with glutamic acid, which is acidic and polar, at codon 186 of the CTNNA1 protein (p.Lys186Glu).

NM_001903.5(CTNNA1):c.556A>G (p.Lys186Glu)

Gene: CTNNA1 (catenin alpha 1; plus strand). Cytogenetic location: 5q31.2.
Variant type: single nucleotide variant.
Coding change: c.556A>G on transcript NM_001903.5 (MANE Select); coding-DNA position 556, A replaced by G.
Protein change: p.Lys186Glu; replaces lysine 186 with glutamic acid.
Molecular consequence: missense variant.
Genome position (GRCh38, 1-based): chr5:138,812,270, A>G. VCF-style: chr5-138812270-A-G. GRCh37 (hg19) VCF-style: chr5-138147959-A-G.
Other names: c.556A>G, p.Lys186Glu (NM_001290307.3, NM_001323982.2, NM_001323983.1 and 3 more transcripts); c.247A>G, p.Lys83Glu (NM_001290309.3); c.187A>G, p.Lys63Glu (NM_001290310.3); short protein forms K63E, K186E, K83E.
Identifiers: ClinVar variation 2756263 (VCV002756263.3), dbSNP rs2532349166, ClinGen allele CA361125492.